The following is an entry in ClinVar:

NM_001904.4(CTNNB1):c.1585G>A (p.Glu529Lys)

Genes: CTNNB1 (catenin beta 1; plus strand), LOC126806659 (BRD4-independent group 4 enhancer GRCh37_chr3:41274918-41276117; plus strand). Cytogenetic location: 3p22.1.
Variant type: single nucleotide variant.
Coding change: c.1585G>A on transcript NM_001904.4 (MANE Select); coding-DNA position 1585, G replaced by A.
Protein change: p.Glu529Lys; replaces glutamic acid 529 with lysine.
Molecular consequence: missense variant.
Genome position (GRCh38, 1-based): chr3:41,234,199, G>A. VCF-style: chr3-41234199-G-A. GRCh37 (hg19) VCF-style: chr3-41275690-G-A.
Other names: c.1585G>A, p.Glu529Lys (NM_001098209.2, NM_001098210.2); c.1564G>A, p.Glu522Lys (NM_001330729.2); short protein forms E522K, E529K.
Identifiers: ClinVar variation 3254556 (VCV003254556.1), dbSNP rs2470834630.

ClinVar aggregate classification (germline): Uncertain significance (1 of 4 stars; one submission).

Conditions:
Severe intellectual disability-progressive spastic diplegia syndrome (NEDSDV). Also called: NEURODEVELOPMENTAL DISORDER WITH SPASTIC DIPLEGIA AND VISUAL DEFECTS; CTNNB1 Neurodevelopmental Disorder. Identifiers: Orphanet 404473, MedGen C3554449, MONDO:0014035, OMIM 615075.

Submission:

Victorian Clinical Genetics Services, Murdoch Childrens Research Institute
Classification: Uncertain significance for Severe intellectual disability-progressive spastic diplegia syndrome. Last evaluated: 2023-07-17. Review status: criteria provided, single submitter. Criteria: ACMG Guidelines, 2015. Collection method: clinical testing. Allele origin: germline. Inheritance: Autosomal dominant inheritance. Affected: yes.
Comment: Based on the classification scheme VCGS_Germline_v1.3.4, this variant is classified as VUS-3B. Following criteria are met: 0102 - Loss of function is a known mechanism of disease in this gene and is associated with neurodevelopmental disorder with spastic diplegia and visual defects (MIM#615075), and exudative vitreoretinopathy 7 (MIM#617572). However, somatic variants with a gain of function mechanism have been reported to cause cancer (OMIM). (I) 0107 - This gene is associated with autosomal dominant disease. (I) 0200 - Variant is predicted to result in a missense amino acid change from glutamic acid to lysine. (I) 0251 - This variant is heterozygous. (I) 0301 - Variant is absent from gnomAD (both v2 and v3). (SP) 0502 - Missense variant with conflicting in silico predictions and uninformative conservation. (I) 0604 - Variant is not located in an established domain, motif, hotspot or informative constraint region. (I) 0705 - No comparable missense variants have previous evidence for pathogenicity. (I) 0807 - This variant has no previous evidence of pathogenicity. (I) 0905 - No published segregation evidence has been identified for this variant. (I) 1007 - No published functional evidence has been identified for this variant. (I) 1208 - Inheritance information for this variant is not currently available in this individual. (I) Legend: (SP) - Supporting pathogenic, (I) - Information, (SB) - Supporting benign